The following is an entry in ClinVar:

ClinVar aggregate classification (germline): Uncertain significance (1 of 4 stars; one submission).

Allele frequency attached by ClinVar (database versions not stated): gnomAD exomes 0.00001 and 0.00003; TOPMed 0.00006; ExAC 0.00007; gnomAD 0.00009 and 0.00011; ESP Exome Variant Server 0.00017.
gnomAD v4.1: 24 of 1,607,890 alleles (0.0015%); highest among the groups gnomAD compares: African/African-American, 0.023%; no homozygotes.

Submissions (2):

Labcorp Genetics (formerly Invitae), Labcorp
Classification: Uncertain significance. Last evaluated: 2025-09-07. Review status: criteria provided, single submitter. Criteria: Invitae Variant Classification Sherloc (09022015). Collection method: clinical testing. Allele origin: germline.
Comment: This sequence change falls in intron 27 of the COL18A1 gene. It does not directly change the encoded amino acid sequence of the COL18A1 protein. It affects a nucleotide within the consensus splice site. This variant is present in population databases (rs375708543, gnomAD 0.05%). This variant has not been reported in the literature in individuals affected with COL18A1-related conditions. ClinVar contains an entry for this variant (Variation ID: 1524065). Variants that disrupt the consensus splice site are a relatively common cause of aberrant splicing (PMID: 17576681, 9536098). Algorithms developed to predict the effect of sequence changes on RNA splicing suggest that this variant is not likely to affect RNA splicing. In summary, the available evidence is currently insufficient to determine the role of this variant in disease. Therefore, it has been classified as a Variant of Uncertain Significance.

Dr. Peter K. Rogan Lab, Western University
No classification provided (evidence only). Condition: Uterine corpus endometrial carcinoma. Review status: no classification provided. Collection method: in vitro. Allele origin: not applicable. Functional consequence: skipped exon. Not counted in ClinVar's aggregate classification.

Literature cited by the submitters: PubMed 17576681 (cited by Labcorp Genetics (formerly Invitae), Labcorp); PubMed 9536098 (cited by Labcorp Genetics (formerly Invitae), Labcorp).

NM_001379500.1(COL18A1):c.2380-3C>T

Gene: COL18A1 (collagen type XVIII alpha 1 chain; plus strand). Cytogenetic location: 21q22.3.
Variant type: single nucleotide variant.
Coding change: c.2380-3C>T on transcript NM_001379500.1 (MANE Select); 3 bases into the intron before coding-DNA position 2380, C replaced by T.
Molecular consequence: intron variant.
Genome position (GRCh38, 1-based): chr21:45,494,859, C>T. VCF-style: chr21-45494859-C-T. GRCh37 (hg19) VCF-style: chr21-46914773-C-T.
Other names: c.3625-3C>T (NM_130444.3); c.2920-3C>T (NM_030582.4).
Identifiers: ClinVar variation 1524065 (VCV001524065.5), dbSNP rs375708543, ClinGen allele CA10067062.